The following is an entry in ClinVar:

NM_000051.4(ATM):c.8530A>G (p.Ile2844Val)

Genes: ATM (ATM serine/threonine kinase; plus strand), C11orf65 (chromosome 11 open reading frame 65; minus strand). Cytogenetic location: 11q22.3.
Variant type: single nucleotide variant.
Coding change: c.8530A>G on transcript NM_000051.4 (MANE Select); coding-DNA position 8530, A replaced by G.
Protein change: p.Ile2844Val; replaces isoleucine 2844 with valine.
Molecular consequence: missense variant. On other transcripts: intron variant (2).
Genome position (GRCh38, 1-based): chr11:108,345,854, A>G. VCF-style: chr11-108345854-A-G. GRCh37 (hg19) VCF-style: chr11-108216581-A-G.
Other names: c.8530A>G, p.Ile2844Val (NM_001351834.2); c.641-36783T>C (NM_001330368.2); c.695-10562T>C (NM_001351110.2); short protein forms I2844V.
Identifiers: ClinVar variation 187621 (VCV000187621.62), dbSNP rs756230327, ClinGen allele CA198113.

ClinVar aggregate classification (germline): Conflicting classifications of pathogenicity. Review status: criteria provided, conflicting classifications (1 of 4 stars). 6 submissions from 6 submitters: Uncertain significance (4); Likely benign (2). Last evaluated 2025-11-03.

Conditions:
Hereditary cancer-predisposing syndrome. Also called: Hereditary Cancer Syndrome; Tumor predisposition; Neoplastic Syndromes, Hereditary; Hereditary neoplastic syndrome. Identifiers: Orphanet 140162, MedGen C0027672, MeSH D009386, MONDO:0015356.
Ataxia-telangiectasia syndrome (AT). Also called: ATAXIA-TELANGIECTASIA, COMPLEMENTATION GROUP A; ATAXIA-TELANGIECTASIA, FRESNO VARIANT; Ataxia-telangiectasia; Ataxia-telangiectasia, complementation group E; Cerebello-oculocutaneous telangiectasia; Immunodeficiency with ataxia telangiectasia. Identifiers: Orphanet 100, MedGen C0004135, MONDO:0008840, OMIM 208900.

Allele frequency attached by ClinVar (database versions not stated): ExAC 0.00002; gnomAD 0.00001; TOPMed 0.00002; gnomAD exomes 0.00001.
gnomAD v4.1: 18 of 1,613,692 alleles (0.0011%); highest among the groups gnomAD compares: East Asian, 0.018%; no homozygotes.

Submissions (6):

Labcorp Genetics (formerly Invitae), Labcorp
Classification: Uncertain significance for Ataxia-telangiectasia syndrome. Last evaluated: 2025-11-03. Review status: criteria provided, single submitter. Criteria: Invitae Variant Classification Sherloc (09022015). Collection method: clinical testing. Allele origin: germline.
Comment: This sequence change replaces isoleucine, which is neutral and non-polar, with valine, which is neutral and non-polar, at codon 2844 of the ATM protein (p.Ile2844Val). This variant is present in population databases (rs756230327, gnomAD 0.006%). This missense change has been observed in individual(s) with breast/colon cancer (PMID: 34250417, 35218119). ClinVar contains an entry for this variant (Variation ID: 187621). Invitae Evidence Modeling of protein sequence and biophysical properties (such as structural, functional, and spatial information, amino acid conservation, physicochemical variation, residue mobility, and thermodynamic stability) indicates that this missense variant is not expected to disrupt ATM protein function with a negative predictive value of 95%. In summary, the available evidence is currently insufficient to determine the role of this variant in disease. Therefore, it has been classified as a Variant of Uncertain Significance.

Quest Diagnostics Nichols Institute San Juan Capistrano
Classification: Uncertain significance. Last evaluated: 2025-09-18. Review status: criteria provided, single submitter. Criteria: Quest Diagnostics criteria. Collection method: clinical testing. Allele origin: unknown.

Color Diagnostics, LLC DBA Color Health
Classification: Likely benign for Hereditary cancer-predisposing syndrome. Last evaluated: 2025-05-28. Review status: criteria provided, single submitter. Criteria: ACMG Guidelines, 2015. Collection method: clinical testing. Allele origin: germline.

GeneDx
Classification: Uncertain significance. Last evaluated: 2024-09-17. Review status: criteria provided, single submitter. Criteria: GeneDx Variant Classification Process June 2021. Collection method: clinical testing. Allele origin: germline. Affected: yes.
Comment: Not observed at significant frequency in large population cohorts (gnomAD); In silico analysis, which includes protein predictors and evolutionary conservation, supports that this variant does not alter protein structure/function; Observed in individuals with breast cancer in published literature, but also in unaffected controls (PMID: 30287823, 34250417, 35218119); This variant is associated with the following publications: (PMID: 23532176, 35218119, 28652578, 36243179, 30287823, 34250417)

Women's Health and Genetics/Laboratory Corporation of America, LabCorp
Classification: Uncertain significance. Last evaluated: 2023-01-26. Review status: criteria provided, single submitter. Criteria: LabCorp Variant Classification Summary - May 2015. Collection method: clinical testing. Allele origin: germline.
Comment: Variant summary: ATM c.8530A>G (p.Ile2844Val) results in a conservative amino acid change located in the Phosphatidylinositol 3-/4-kinase, catalytic domain (IPR000403) of the encoded protein sequence. Five of five in-silico tools predict a benign effect of the variant on protein function. The variant allele was found at a frequency of 1.2e-05 in 251234 control chromosomes. The available data on variant occurrences in the general population are insufficient to allow any conclusion about variant significance. c.8530A>G has been reported in the literature as a VUS with non-significant OR (odds ratio) in a case-control association study for variants in coding regions of 11 hereditary breast cancer genes in 7051 unselected breast cancer patients and 11,241 female controls of Japanese ancestry (Momozawa_2018) in individuals affected with Ataxia-Telangiectasia/Breast Cancer. These report(s) do not provide unequivocal conclusions about association of the variant with Ataxia-Telangiectasia. To our knowledge, no experimental evidence demonstrating an impact on protein function has been reported. Four clinical diagnostic laboratories have submitted clinical-significance assessments for this variant to ClinVar after 2014 without evidence for independent evaluation. The laboratories classified the variant as uncertain significance (n=3) or likely benign (n=1). Based on the evidence outlined above, the variant was classified as uncertain significance.

Ambry Genetics
Classification: Likely benign for Hereditary cancer-predisposing syndrome. Last evaluated: 2018-05-02. Review status: criteria provided, single submitter. Criteria: Ambry Variant Classification Scheme 2023. Collection method: clinical testing. Allele origin: germline.

Literature cited by the submitters: PubMed 34250417 (cited by Labcorp Genetics (formerly Invitae), Labcorp and Women's Health and Genetics/Laboratory Corporation of America, LabCorp); PubMed 35218119 (cited by Labcorp Genetics (formerly Invitae), Labcorp); PubMed 28652578 (cited by Women's Health and Genetics/Laboratory Corporation of America, LabCorp); PubMed 30287823 (cited by Women's Health and Genetics/Laboratory Corporation of America, LabCorp).